The following is an entry in ClinVar:

NM_017636.4(TRPM4):c.477C>A (p.His159Gln)

Gene: TRPM4 (transient receptor potential cation channel subfamily M member 4; plus strand). Cytogenetic location: 19q13.33.
Variant type: single nucleotide variant.
Coding change: c.477C>A on transcript NM_017636.4 (MANE Select); coding-DNA position 477, C replaced by A.
Protein change: p.His159Gln; replaces histidine 159 with glutamine.
Molecular consequence: missense variant. On other transcripts: 5 prime UTR variant (2), intron variant (2).
Genome position (GRCh38, 1-based): chr19:49,168,288, C>A. VCF-style: chr19-49168288-C-A. GRCh37 (hg19) VCF-style: chr19-49671545-C-A.
Other names: c.477C>A, p.His159Gln (NM_001195227.2); c.-1077C>A (NM_001321282.2); c.-46C>A (NM_001321283.2); c.268-265C>A (NM_001321281.2); c.-237-265C>A (NM_001321285.2); short protein forms H159Q.
Identifiers: ClinVar variation 1316538 (VCV001316538.2), dbSNP rs2122805774, ClinGen allele CA406790975.

ClinVar aggregate classification (germline): Uncertain significance (1 of 4 stars; one submission).

Submission:

GeneDx
Classification: Uncertain significance. Last evaluated: 2019-11-18. Review status: criteria provided, single submitter. Criteria: GeneDx Variant Classification Process June 2021. Collection method: clinical testing. Allele origin: germline. Affected: yes.
Comment: Has not been previously published as pathogenic or benign to our knowledge; Not observed in large population cohorts (Lek et al., 2016); In silico analysis, which includes protein predictors and evolutionary conservation, supports a deleterious effect